The following is an entry in ClinVar:

ClinVar aggregate classification (germline): Conflicting classifications of pathogenicity. Review status: criteria provided, conflicting classifications (1 of 4 stars). 4 submissions from 4 submitters: Uncertain significance (3); Likely benign (1). Last evaluated 2025-12-02.

Conditions:
COL18A1-related disorder. Also called: COL18A1-related disorders; COL18A1-related condition.
Knobloch syndrome 1 (KNO1). Identifiers: MedGen C4551775, MONDO:0800167, OMIM 267750.
Inborn genetic diseases. Identifiers: MedGen C0950123, MeSH D030342.

Allele frequency attached by ClinVar (database versions not stated): gnomAD exomes 0.00003 and 0.00009; ExAC 0.00013; 1000 Genomes Project 0.00020; 1000 Genomes Project 30x 0.00031; ESP Exome Variant Server 0.00041; gnomAD 0.00045 and 0.00046; TOPMed 0.00051.
gnomAD v4.1: 113 of 1,613,664 alleles (0.007%); highest among the groups gnomAD compares: African/African-American, 0.13%; no homozygotes.

Submissions (4):

Ambry Genetics
Classification: Uncertain significance for Inborn genetic diseases. Last evaluated: 2025-12-02. Review status: criteria provided, single submitter. Criteria: Ambry Variant Classification Scheme 2023. Collection method: clinical testing. Allele origin: germline.

Women's Health and Genetics/Laboratory Corporation of America, LabCorp
Classification: Uncertain significance. Last evaluated: 2025-06-26. Review status: criteria provided, single submitter. Criteria: LabCorp Variant Classification Summary - May 2015. Collection method: clinical testing. Allele origin: germline.
Comment: Variant summary: COL18A1 c.1292T>C (p.Val431Ala) results in a non-conservative amino acid change in the encoded protein sequence. Algorithms developed to predict the effect of missense changes on protein structure and function are either unavailable or do not agree on the potential impact of this missense change. The variant allele was found at a frequency of 8.8e-05 in 249048 control chromosomes (gnomAD). This frequency is not significantly higher than estimated for a pathogenic variant in COL18A1 causing Knobloch Syndrome 1, allowing no conclusion about variant significance. To our knowledge, no occurrence of c.1292T>C in individuals affected with Knobloch Syndrome 1 and no experimental evidence demonstrating its impact on protein function have been reported. ClinVar contains an entry for this variant (Variation ID: 1446350). Based on the evidence outlined above, the variant was classified as uncertain significance.

PreventionGenetics, part of Exact Sciences
Classification: Likely benign for COL18A1-related condition. Last evaluated: 2024-12-27. Review status: criteria provided, single submitter. Criteria: ACMG Guidelines, 2015. Collection method: clinical testing. Allele origin: germline.
Comment: This variant is classified as likely benign based on ACMG/AMP sequence variant interpretation guidelines (Richards et al. 2015 PMID: 25741868, with internal and published modifications).

Labcorp Genetics (formerly Invitae), Labcorp
Classification: Uncertain significance. Last evaluated: 2022-10-04. Review status: criteria provided, single submitter. Criteria: Invitae Variant Classification Sherloc (09022015). Collection method: clinical testing. Allele origin: germline.
Comment: This sequence change replaces valine, which is neutral and non-polar, with alanine, which is neutral and non-polar, at codon 431 of the COL18A1 protein (p.Val431Ala). This variant is present in population databases (rs201414473, gnomAD 0.2%). This variant has not been reported in the literature in individuals affected with COL18A1-related conditions. Experimental studies and prediction algorithms are not available or were not evaluated, and the functional significance of this variant is currently unknown. In summary, the available evidence is currently insufficient to determine the role of this variant in disease. Therefore, it has been classified as a Variant of Uncertain Significance.

NM_001379500.1(COL18A1):c.1292T>C (p.Val431Ala)

Gene: COL18A1 (collagen type XVIII alpha 1 chain; plus strand). Cytogenetic location: 21q22.3.
Variant type: single nucleotide variant.
Coding change: c.1292T>C on transcript NM_001379500.1 (MANE Select); coding-DNA position 1292, T replaced by C.
Protein change: p.Val431Ala; replaces valine 431 with alanine.
Molecular consequence: missense variant.
Genome position (GRCh38, 1-based): chr21:45,479,945, T>C. VCF-style: chr21-45479945-T-C. GRCh37 (hg19) VCF-style: chr21-46899859-T-C.
Other names: NM_130445.2:c.1292T>C; NM_130445.3:c.1292T>C; c.1832T>C, p.Val611Ala (NM_030582.4); c.2537T>C, p.Val846Ala (NM_130444.3); c.1832T>C (NM_030582.3); short protein forms V611A, V846A, V431A.
Identifiers: ClinVar variation 1446350 (VCV001446350.9), dbSNP rs201414473, ClinGen allele CA10066224.